The following is an entry in ClinVar:

NM_001458.5(FLNC):c.791C>G (p.Pro264Arg)

Gene: FLNC (filamin C; plus strand). Cytogenetic location: 7q32.1.
Variant type: single nucleotide variant.
Coding change: c.791C>G on transcript NM_001458.5 (MANE Select); coding-DNA position 791, C replaced by G.
Protein change: p.Pro264Arg; replaces proline 264 with arginine.
Molecular consequence: missense variant.
Genome position (GRCh38, 1-based): chr7:128,837,489, C>G. VCF-style: chr7-128837489-C-G. GRCh37 (hg19) VCF-style: chr7-128477543-C-G.
Other names: c.791C>G, p.Pro264Arg (NM_001127487.2); short protein forms P264R.
Identifiers: ClinVar variation 3254668 (VCV003254668.2), dbSNP rs976043816.
Genomic context (GRCh38, chr7:128,837,489, plus strand): 5'-ACGTGGATGAGCATTCTGTTATGACCTACCTGTCCCAGTTCCCCAAGGCCAAGCTCAAAC[C>G]TGGTGCCCCTGTTCGATCCAAGCAGCTGAACCCCAAGAAAGCCATCGCCTATGGGCCTGG-3'
Protein context (NP_001449.3, residues 254-274): LSQFPKAKLK[Pro264Arg]GAPVRSKQLN

ClinVar aggregate classification (germline): Uncertain significance (1 of 4 stars; one submission).

Conditions:
Hypertrophic cardiomyopathy 26. Also called: Cardiomyopathy, familial hypertrophic, 26. Identifiers: Orphanet 75249, MedGen C4310749, MONDO:0014883, OMIM 617047.

Allele frequency attached by ClinVar (database versions not stated): gnomAD exomes below 0.00001.
gnomAD v4.1: 3 of 1,614,212 alleles (0.00019%); highest among the groups gnomAD compares: Non-Finnish European, 0.00025%; no homozygotes.

Submission:

Victorian Clinical Genetics Services, Murdoch Childrens Research Institute
Classification: Uncertain significance for Hypertrophic cardiomyopathy 26. Last evaluated: 2024-09-22. Review status: criteria provided, single submitter. Criteria: ACMG Guidelines, 2015. Collection method: clinical testing. Allele origin: germline. Inheritance: Autosomal dominant inheritance. Affected: yes.
Comment: Based on the classification scheme VCGS_Germline_v1.3.4, this variant is classified as VUS-3B. Following criteria are met: 0103 - Loss of function and gain of function are known mechanisms of disease in this gene. Loss of function is the established mechanism of disease for variants in dilated cardiomyopathy (PMID: 32112656), familial hypertrophic cardiomyopathy 26 (MIM#617047), familial restrictive cardiomyopathy 5 (MIM#617047), familial arrhythmogenic right ventricular dysplasia (MIM#617047), and myofibrillar myopathy 5 (MIM#609524). In distal myopathy 4 (MIM#614065), NMD-predicted variants cause a loss of function, however missense variants have been shown to result in a toxic gain of function (PMID: 32112656). (I) 0107 - This gene is associated with autosomal dominant disease. Variants located throughout the gene that are predicted to result in nonsense-mediated decay (NMD) are enriched in dilated cardiomyopathy, whereas missense variants in the ROD2 domain are enriched in familial hypertrophic cardiomyopathy 26 and familial restrictive cardiomyopathy 5 (MIM#617047). Additionally, myofibrillar myopathy 5 (MIM#609524) is known to result from either missense variants in the ROD2 domain or truncating variants in the Ig-like domain 24, while missense variants in the actin-binding domain and NMD-predicted variants located in the Ig-like domain 15 and have been reported for distal myopathy 4 (MIM#614065) (PMID: 32112656). (I) 0200 - Variant is predicted to result in a missense amino acid change from proline to arginine. (I) 0251 - This variant is heterozygous. (I) 0301 - Variant is absent from gnomAD (both v2 and v3). (SP) 0501 - Missense variant consistently predicted to be damaging by multiple in silico tools or highly conserved with a major amino acid change. (SP) 0604 - Variant is not located in an established domain, motif, hotspot or informative constraint region. (I) 0710 - Another missense variant comparable to the one identified in this case has inconclusive previous evidence for pathogenicity. p.(Pro264Ala) has been classified as a VUS by a clinical laboratory in ClinVar. (I) 0807 - This variant has no previous evidence of pathogenicity. (I) 0905 - No published segregation evidence has been identified for this variant. (I) 1007 - No published functional evidence has been identified for this variant. (I) 1208 - Inheritance information for this variant is not currently available in this individual. (I) Legend: (SP) - Supporting pathogenic, (I) - Information, (SB) - Supporting benign

Literature cited by the submitters: PubMed 32112656.